The following is an entry in ClinVar:

ClinVar aggregate classification (germline): Uncertain significance. Review status: criteria provided, multiple submitters, no conflicts (2 of 4 stars). 2 submissions from 2 submitters: Uncertain significance (2). Last evaluated 2023-07-17.

Conditions:
Gastrointestinal stromal tumor. Also called: Gastrointestinal stroma tumor; Gastrointestinal stromal tumor, somatic. Identifiers: Orphanet 44890, MedGen C0238198, MeSH D046152, MONDO:0011719, OMIM 606764, HP:0100723.
Hereditary cancer-predisposing syndrome. Also called: Tumor predisposition; Hereditary neoplastic syndrome; Hereditary Cancer Syndrome; Neoplastic Syndromes, Hereditary. Identifiers: Orphanet 140162, MedGen C0027672, MeSH D009386, MONDO:0015356.

Submissions (2):

Labcorp Genetics (formerly Invitae), Labcorp
Classification: Uncertain significance for Gastrointestinal stromal tumor. Last evaluated: 2023-07-17. Review status: criteria provided, single submitter. Criteria: Invitae Variant Classification Sherloc (09022015). Collection method: clinical testing. Allele origin: germline.
Comment: ClinVar contains an entry for this variant (Variation ID: 528590). This variant has not been reported in the literature in individuals affected with PDGFRA-related conditions. This variant is not present in population databases (gnomAD no frequency). This sequence change replaces lysine, which is basic and polar, with asparagine, which is neutral and polar, at codon 779 of the PDGFRA protein (p.Lys779Asn). Advanced modeling of protein sequence and biophysical properties (such as structural, functional, and spatial information, amino acid conservation, physicochemical variation, residue mobility, and thermodynamic stability) performed at Invitae indicates that this missense variant is not expected to disrupt PDGFRA protein function. In summary, the available evidence is currently insufficient to determine the role of this variant in disease. Therefore, it has been classified as a Variant of Uncertain Significance.

Ambry Genetics
Classification: Uncertain significance for Hereditary cancer-predisposing syndrome. Last evaluated: 2023-03-08. Review status: criteria provided, single submitter. Criteria: Ambry Variant Classification Scheme 2023. Collection method: clinical testing. Allele origin: germline.
Comment: The p.K779N variant (also known as c.2337A>C), located in coding exon 16 of the PDGFRA gene, results from an A to C substitution at nucleotide position 2337. The lysine at codon 779 is replaced by asparagine, an amino acid with similar properties. This amino acid position is conserved. In addition, this alteration is predicted to be tolerated by in silico analysis. Since supporting evidence is limited at this time, the clinical significance of this alteration remains unclear.

NM_006206.6(PDGFRA):c.2337A>C (p.Lys779Asn)

Gene: PDGFRA (platelet derived growth factor receptor alpha; plus strand). Cytogenetic location: 4q12.
Variant type: single nucleotide variant.
Coding change: c.2337A>C on transcript NM_006206.6 (MANE Select); coding-DNA position 2337, A replaced by C.
Protein change: p.Lys779Asn; replaces lysine 779 with asparagine.
Molecular consequence: missense variant.
Genome position (GRCh38, 1-based): chr4:54,285,384, A>C. VCF-style: chr4-54285384-A-C. GRCh37 (hg19) VCF-style: chr4-55151551-A-C.
Other names: c.2412A>C, p.Lys804Asn (NM_001347828.2); c.2337A>C, p.Lys779Asn (NM_001347829.2); c.2376A>C, p.Lys792Asn (NM_001347830.2); short protein forms K779N, K792N, K804N.
Identifiers: ClinVar variation 528590 (VCV000528590.11), dbSNP rs1553905957, ClinGen allele CA356894606.